The following is an entry in ClinVar:

NM_004364.5(CEBPA):c.713C>G (p.Ala238Gly)

Gene: CEBPA (CCAAT enhancer binding protein alpha; minus strand). Cytogenetic location: 19q13.11.
Variant type: single nucleotide variant.
Coding change: c.713C>G on transcript NM_004364.5 (MANE Select); coding-DNA position 713, C replaced by G.
Protein change: p.Ala238Gly; replaces alanine 238 with glycine.
Molecular consequence: missense variant.
Genome position (GRCh38, 1-based): chr19:33,301,702, G>C on the plus strand (C>G on the coding strand, the complement: CEBPA is on the minus strand). VCF-style: chr19-33301702-G-C. GRCh37 (hg19) VCF-style: chr19-33792608-G-C.
Other names: c.356C>G, p.Ala119Gly (NM_001285829.2); c.818C>G, p.Ala273Gly (NM_001287424.2); c.671C>G, p.Ala224Gly (NM_001287435.2); short protein forms A119G, A238G, A224G, A273G.
Identifiers: ClinVar variation 2856733 (VCV002856733.3), dbSNP rs3745972, ClinGen allele CA405274362.
Genomic context (GRCh38, chr19:33,301,702, plus strand): 5'-GCGCCCAGCCCCTTGAGCGCGCTGCCAGGGCCCGGCAGGCCGGCGGCACCGAGCGCGGGC[G>C]CGGGGTGCGGGCTGGGCACGGGCGTGGGCGGCGGCGTGGGGTGACCGGGCTGCAGGTGCA-3'
Protein context (NP_004355.2, residues 228-248): PPTPVPSPHP[Ala238Gly]PALGAAGLPG

ClinVar aggregate classification (germline): Uncertain significance (1 of 4 stars; one submission).

Conditions:
Acute myeloid leukemia (AML). Also called: Acute myeloid leukemia, adult; AML adult; Acute non-lymphocytic leukemia; Acute granulocytic leukemia; Leukemia, acute myeloid, somatic; Leukemia, acute myelogenous, somatic. Identifiers: Orphanet 519, MedGen C0023467, MeSH D015470, MONDO:0018874, OMIM 601626, HP:0004808. Disease mechanism: Constitutively activated FLT3.

Submission:

Labcorp Genetics (formerly Invitae), Labcorp
Classification: Uncertain significance for Acute myeloid leukemia. Last evaluated: 2023-04-15. Review status: criteria provided, single submitter. Criteria: Invitae Variant Classification Sherloc (09022015). Collection method: clinical testing. Allele origin: germline.
Comment: Advanced modeling of protein sequence and biophysical properties (such as structural, functional, and spatial information, amino acid conservation, physicochemical variation, residue mobility, and thermodynamic stability) performed at Invitae indicates that this missense variant is not expected to disrupt CEBPA protein function. In summary, the available evidence is currently insufficient to determine the role of this variant in disease. Therefore, it has been classified as a Variant of Uncertain Significance. This variant has not been reported in the literature in individuals affected with CEBPA-related conditions. This variant is not present in population databases (gnomAD no frequency). This sequence change replaces alanine, which is neutral and non-polar, with glycine, which is neutral and non-polar, at codon 238 of the CEBPA protein (p.Ala238Gly).